The following is an entry in ClinVar:

ClinVar aggregate classification (germline): Pathogenic/Likely pathogenic. Review status: criteria provided, multiple submitters, no conflicts (2 of 4 stars). 4 submissions from 4 submitters: Pathogenic (1); Likely pathogenic (3). Last evaluated 2022-12-21.

Conditions:
Fructose-biphosphatase deficiency (FBP1D). Also called: Fructose-1,6-Diphosphatase Deficiency; Fructose 1,6 Bisphosphatase Deficiency; Fructose-1,6-Bisphosphatase 1 Deficiency. Identifiers: Orphanet 348, MedGen C0016756, MONDO:0009251, OMIM 229700.

Allele frequency attached by ClinVar (database versions not stated): ExAC 0.00002; gnomAD exomes 0.00002; TOPMed 0.00002.
gnomAD v4.1: 7 of 1,613,326 alleles (0.00043%); highest among the groups gnomAD compares: East Asian, 0.0089%; no homozygotes.

Submissions (4):

Center for Molecular Medicine, Children’s Hospital of Fudan University
Classification: Likely pathogenic for Fructose-biphosphatase deficiency. Last evaluated: 2022-12-21. Review status: criteria provided, single submitter. Criteria: ACMG Guidelines, 2015. Collection method: clinical testing. Allele origin: paternal. Affected: yes. Observed: 2 variant alleles.

Department of Medical Genetics, International Peace Maternity and Child Health Hospital, Shanghai Jiao Tong University School of Medicine
Classification: Pathogenic for Fructose-biphosphatase deficiency. Last evaluated: 2017-03-27. Review status: criteria provided, single submitter. Criteria: ACMG Guidelines, 2015. Collection method: in vitro. Allele origin: not applicable. Inheritance: Autosomal recessive inheritance.

GeneDx
Classification: Likely pathogenic. Last evaluated: 2014-07-15. Review status: criteria provided, single submitter. Criteria: GeneDx Variant Classification (06012015). Collection method: clinical testing. Allele origin: germline. Affected: yes.
Comment: p.Asp119Asn (GAT>AAT): c.355 G>A in exon 3 of the FBP1 gene (NM_000507.3). It has not been reported as a benign polymorphism to our knowledge. It has been presented as a mutation in association with fructose 1,6-bisphosphatase deficiency in a poster session (Frisso et al., 2013). The D119N variant is a semi-conservative amino acid substitution, which may impact secondary protein structure as these residues differ in some properties. This substitution occurs at a position that is conserved in mammals. In silico analysis predicts this variant is probably damaging to the protein structure/function. Therefore, this variant is a strong candidate for a pathogenic mutation, however the possibility that it is a benign variant cannot be excluded. The variant is found in MITONUC-MITOP panel(s).

Juno Genomics, Hangzhou Juno Genomics, Inc
Classification: Likely pathogenic for Fructose-biphosphatase deficiency. Review status: criteria provided, single submitter. Criteria: ACMG Guidelines, 2015. Collection method: clinical testing. Allele origin: germline.
Comment: Absent from controls (or at extremely low frequency if recessive) in Genome Aggregation Database.;For recessive disorders, detected in trans with a pathogenic variant.;Patient's phenotype or family history is highly specific for a disease with a single genetic etiology.;Multiple lines of computational evidence support a deleterious effect on the gene or gene product.

NM_000507.4(FBP1):c.355G>A (p.Asp119Asn)

Gene: FBP1 (fructose-bisphosphatase 1; minus strand). Cytogenetic location: 9q22.32.
Variant type: single nucleotide variant.
Coding change: c.355G>A on transcript NM_000507.4 (MANE Select); coding-DNA position 355, G replaced by A.
Protein change: p.Asp119Asn; replaces aspartic acid 119 with asparagine.
Molecular consequence: missense variant.
Genome position (GRCh38, 1-based): chr9:94,617,839, C>T on the plus strand (G>A on the coding strand, the complement: FBP1 is on the minus strand). VCF-style: chr9-94617839-C-T. GRCh37 (hg19) VCF-style: chr9-97380121-C-T.
Other names: p.D119N:GAT>AAT; c.355G>A, p.Asp119Asn (NM_001127628.2); short protein forms D119N.
Identifiers: ClinVar variation 214364 (VCV000214364.8), dbSNP rs758609113, ClinGen allele CA322569.